The following is an entry in ClinVar:

NC_000016.10:g.(?_23603162)_(23608013_23614003)del

Gene: PALB2 (partner and localizer of BRCA2; minus strand). Cytogenetic location: 16p12.2.
Variant type: Deletion.
Identifiers: ClinVar variation 830199 (VCV000830199.2).

ClinVar aggregate classification (germline): Pathogenic (0 of 4 stars; one submission).

Conditions:
Familial cancer of breast. Also called: BREAST CANCER, FAMILIAL; Hereditary breast cancer; hereditary breast carcinoma. Identifiers: Orphanet 227535, MedGen C0346153, MONDO:0016419, OMIM 114480. Disease mechanism: loss of function.

Submission:

Leiden Open Variation Database
Classification: Pathogenic for Familial cancer of breast. Last evaluated: 2019-05-13. Review status: no assertion criteria provided. Collection method: curation. Allele origin: germline. Affected: yes.
Comment: Curators: Marc Tischkowitz, Arleen D. Auerbach. Submitter to LOVD: Marc Tischkowitz.

Literature cited by the submitters: PubMed 25186627.